The following is an entry in ClinVar:

NM_058216.3(RAD51C):c.71_85dup (p.Val28_Ser29insTrpValLysLeuVal)

Gene: RAD51C (RAD51 paralog C; plus strand). Cytogenetic location: 17q22.
Variant type: Duplication.
Coding change: c.71_85dup on transcript NM_058216.3 (MANE Select); coding-DNA positions 71 to 85, 15 bases duplicated (GGGTGAAGCTGGTGT).
Protein change: p.Val28_Ser29insTrpValLysLeuVal.
Molecular consequence: inframe insertion. On other transcripts: non-coding transcript variant (1).
Genome position (GRCh38, 1-based): chr17:58,692,714-58,692,728, GGGTGAAGCTGGTGT duplicated. VCF-style (leftmost placement, unchanged base first): chr17-58692713-C-CGGGTGAAGCTGGTGT. GRCh37 (hg19) VCF-style: chr17-56770074-C-CGGGTGAAGCTGGTGT.
Other names: c.71_85dup, p.Val28_Ser29insTrpValLysLeuVal (NM_002876.4).
Identifiers: ClinVar variation 826839 (VCV000826839.14), dbSNP rs1598449114, ClinGen allele CA915950643.

ClinVar aggregate classification (germline): Uncertain significance. Review status: criteria provided, multiple submitters, no conflicts (2 of 4 stars). 2 submissions from 2 submitters: Uncertain significance (2). Last evaluated 2019-12-19.

Conditions:
Fanconi anemia complementation group O. Also called: RAD51C-Related Fanconi Anemia. Identifiers: Orphanet 84, MedGen C3150653, MONDO:0013248, OMIM 613390.
Hereditary cancer-predisposing syndrome. Also called: Neoplastic Syndromes, Hereditary; Hereditary Cancer Syndrome; Hereditary neoplastic syndrome; Tumor predisposition. Identifiers: Orphanet 140162, MedGen C0027672, MeSH D009386, MONDO:0015356.

Submissions (2):

Ambry Genetics
Classification: Uncertain significance for Hereditary cancer-predisposing syndrome. Last evaluated: 2019-12-19. Review status: criteria provided, single submitter. Criteria: Ambry Variant Classification Scheme 2023. Collection method: clinical testing. Allele origin: germline.
Comment: The c.71_85dup15 variant (also known as p.V28_S29insWVKLV), located in coding exon 1 of the RAD51C gene, results from an in-frame duplication of 15 nucleotides at nucleotide positions 71 to 85. This results in the duplication of 5 extra residues (WVKLV) between codons 28 and 29. This alteration is predicted to be deleterious by in silico analysis (Choi Y et al. PLoS ONE. 2012; 7(10):e46688). Since supporting evidence is limited at this time, the clinical significance of this alteration remains unclear.

Labcorp Genetics (formerly Invitae), Labcorp
Classification: Uncertain significance for Fanconi anemia complementation group O. Last evaluated: 2019-03-24. Review status: criteria provided, single submitter. Criteria: Invitae Variant Classification Sherloc (09022015). Collection method: clinical testing. Allele origin: germline.
Comment: This variant, c.71_85dup, results in the insertion of 5 amino acid(s) to the RAD51C protein (p.Val28_Ser29insTrpValLysLeuVal), but otherwise preserves the integrity of the reading frame. This variant is not present in population databases (ExAC no frequency). This variant has not been reported in the literature in individuals with RAD51C-related conditions. Experimental studies and prediction algorithms are not available for this variant, and the functional significance of the affected amino acid(s) is currently unknown. In summary, the available evidence is currently insufficient to determine the role of this variant in disease. Therefore, it has been classified as a Variant of Uncertain Significance.